The following is an entry in ClinVar:

ClinVar aggregate classification (germline): Conflicting classifications of pathogenicity. Review status: criteria provided, conflicting classifications (1 of 4 stars). 2 submissions from 2 submitters: Uncertain significance (1); Likely benign (1). Last evaluated 2022-10-27.

Allele frequency attached by ClinVar (database versions not stated): 1000 Genomes Project 30x 0.00016.
gnomAD v4.1: 34 of 1,595,366 alleles (0.0021%); highest among the groups gnomAD compares: Admixed American, 0.014%; no homozygotes.

Submissions (2):

Ambry Genetics
Classification: Likely benign. Last evaluated: 2022-10-27. Review status: criteria provided, single submitter. Criteria: Ambry Variant Classification Scheme 2023. Collection method: clinical testing. Allele origin: germline.

Labcorp Genetics (formerly Invitae), Labcorp
Classification: Uncertain significance. Last evaluated: 2022-10-17. Review status: criteria provided, single submitter. Criteria: Invitae Variant Classification Sherloc (09022015). Collection method: clinical testing. Allele origin: germline.
Comment: This sequence change replaces glutamic acid, which is acidic and polar, with lysine, which is basic and polar, at codon 170 of the SAMD11 protein (p.Glu170Lys). The frequency data for this variant in the population databases is considered unreliable, as metrics indicate poor data quality at this position in the gnomAD database. This variant has not been reported in the literature in individuals affected with SAMD11-related conditions. ClinVar contains an entry for this variant (Variation ID: 1427749). Algorithms developed to predict the effect of missense changes on protein structure and function output the following: SIFT: "Tolerated"; PolyPhen-2: "Benign"; Align-GVGD: "Class C0". The lysine amino acid residue is found in multiple mammalian species, which suggests that this missense change does not adversely affect protein function. In summary, the available evidence is currently insufficient to determine the role of this variant in disease. Therefore, it has been classified as a Variant of Uncertain Significance.

NM_001385641.1(SAMD11):c.1045G>A (p.Glu349Lys)

Gene: SAMD11 (sterile alpha motif domain containing 11; plus strand). Cytogenetic location: 1p36.33.
Variant type: single nucleotide variant.
Coding change: c.1045G>A on transcript NM_001385641.1 (MANE Select); coding-DNA position 1045, G replaced by A.
Protein change: p.Glu349Lys; replaces glutamic acid 349 with lysine.
Molecular consequence: missense variant.
Genome position (GRCh38, 1-based): chr1:939,117, G>A. VCF-style: chr1-939117-G-A. GRCh37 (hg19) VCF-style: chr1-874497-G-A.
Other names: c.1045G>A, p.Glu349Lys (NM_001385640.1); c.508G>A, p.Glu170Lys (NM_152486.4); c.508G>A (NM_152486.2); short protein forms E349K, E170K.
Identifiers: ClinVar variation 1427749 (VCV001427749.4), dbSNP rs200099017, ClinGen allele CA502652.